The following is an entry in ClinVar:

ClinVar aggregate classification (germline): Uncertain significance (1 of 4 stars; one submission).

Conditions:
Charcot-Marie-Tooth disease axonal type 2O. Also called: Charcot-Marie-Tooth disease, axonal, type 20; CHARCOT-MARIE-TOOTH NEUROPATHY, AXONAL, TYPE 2O; CHARCOT-MARIE-TOOTH DISEASE, AXONAL, AUTOSOMAL DOMINANT, TYPE 2O; Charcot-Marie-Tooth Neuropathy Type 2O. Identifiers: Orphanet 284232, MedGen C3280220, MONDO:0013644, OMIM 614228.

Submission:

Labcorp Genetics (formerly Invitae), Labcorp
Classification: Uncertain significance for Charcot-Marie-Tooth disease axonal type 2O. Last evaluated: 2023-05-08. Review status: criteria provided, single submitter. Criteria: Invitae Variant Classification Sherloc (09022015). Collection method: clinical testing. Allele origin: germline.
Comment: In summary, the available evidence is currently insufficient to determine the role of this variant in disease. Therefore, it has been classified as a Variant of Uncertain Significance. This sequence change replaces valine, which is neutral and non-polar, with methionine, which is neutral and non-polar, at codon 847 of the DYNC1H1 protein (p.Val847Met). This variant is not present in population databases (gnomAD no frequency). This variant has not been reported in the literature in individuals affected with DYNC1H1-related conditions. ClinVar contains an entry for this variant (Variation ID: 2104815). An algorithm developed to predict the effect of missense changes on protein structure and function (PolyPhen-2) suggests that this variant is likely to be disruptive.

NM_001376.5(DYNC1H1):c.2539G>A (p.Val847Met)

Gene: DYNC1H1 (dynein cytoplasmic 1 heavy chain 1; plus strand). Cytogenetic location: 14q32.31.
Variant type: single nucleotide variant.
Coding change: c.2539G>A on transcript NM_001376.5 (MANE Select); coding-DNA position 2539, G replaced by A.
Protein change: p.Val847Met; replaces valine 847 with methionine.
Molecular consequence: missense variant.
Genome position (GRCh38, 1-based): chr14:101,987,453, G>A. VCF-style: chr14-101987453-G-A. GRCh37 (hg19) VCF-style: chr14-102453790-G-A.
Other names: short protein forms V847M.
Identifiers: ClinVar variation 2104815 (VCV002104815.4), dbSNP rs2503698418, ClinGen allele CA391026665.